The following is an entry in ClinVar:

ClinVar aggregate classification (germline): Likely pathogenic. Review status: criteria provided, multiple submitters, no conflicts (2 of 4 stars). 5 submissions from 5 submitters: Likely pathogenic (5). Last evaluated 2025-09-13.

Conditions:
Inborn genetic diseases. Identifiers: MedGen C0950123, MeSH D030342.
Familial hypokalemia-hypomagnesemia (GTLMNS). Also called: gitelman syndrome; HYPOMAGNESEMIA-HYPOKALEMIA, PRIMARY RENOTUBULAR, WITH HYPOCALCIURIA; POTASSIUM AND MAGNESIUM DEPLETION. Identifiers: Orphanet 358, MedGen C0268450, MONDO:0009904, OMIM 263800.

Allele frequency attached by ClinVar (database versions not stated): ExAC 0.00001; gnomAD exomes 0.00001 and 0.00002; TOPMed 0.00001; gnomAD 0.00002.
gnomAD v4.1: 8 of 1,614,022 alleles (0.0005%); highest among the groups gnomAD compares: Admixed American, 0.012%; no homozygotes.

Submissions (5):

Labcorp Genetics (formerly Invitae), Labcorp
Classification: Likely pathogenic. Last evaluated: 2025-09-13. Review status: criteria provided, single submitter. Criteria: Invitae Variant Classification Sherloc (09022015). Collection method: clinical testing. Allele origin: germline.
Comment: This sequence change affects an acceptor splice site in intron 23 of the SLC12A3 gene. It is expected to disrupt RNA splicing. Variants that disrupt the donor or acceptor splice site typically lead to a loss of protein function (PMID: 16199547), and loss-of-function variants in SLC12A3 are known to be pathogenic (PMID: 20848653, 22009145, 25841442). This variant is present in population databases (rs761242621, gnomAD 0.01%). Disruption of this splice site has been observed in individual(s) with Gitelman syndrome (internal data). ClinVar contains an entry for this variant (Variation ID: 651512). Algorithms developed to predict the effect of sequence changes on RNA splicing suggest that this variant may disrupt the consensus splice site. In summary, the currently available evidence indicates that the variant is pathogenic, but additional data are needed to prove that conclusively. Therefore, this variant has been classified as Likely Pathogenic.

Natera, Inc.
Classification: Likely pathogenic for Gitelman syndrome. Last evaluated: 2024-06-14. Review status: criteria provided, single submitter. Criteria: Natera Variant Classification Schema (03/2026). Collection method: clinical testing. Allele origin: germline.
Comment: The c.2748-1G>A variant in SLC12A3 is a canonical splice acceptor site variant predicted to affect pre-mRNA splicing, which may result in an abnormal transcript and altered protein product. This variant is expected to result in nonsense mediated decay, truncation, or a dysfunctional protein product. This variant is rare in the general population with a frequency below the threshold expected for the associated phenotype(s). Given the available evidence, this variant is classified as Likely Pathogenic.

Fulgent Genetics
Classification: Likely pathogenic for Familial hypokalemia-hypomagnesemia. Last evaluated: 2023-12-21. Review status: criteria provided, single submitter. Criteria: ACMG Guidelines, 2015. Collection method: clinical testing. Allele origin: germline.

Ambry Genetics
Classification: Likely pathogenic for Inborn genetic diseases. Last evaluated: 2021-12-08. Review status: criteria provided, single submitter. Criteria: Ambry Variant Classification Scheme 2023. Collection method: clinical testing. Allele origin: germline.
Comment: The c.2748-1G>A intronic variant results from a G to A substitution one nucleotide before coding exon 24 of the SLC12A3 gene. Alterations that disrupt the canonical splice site are expected to cause aberrant splicing, resulting in an abnormal protein or a transcript that is subject to nonsense-mediated mRNA decay. Based on data from gnomAD, the A allele has an overall frequency of <0.01% (6/251446) total alleles studied. The highest observed frequency was 0.02% (6/34592) of Latino alleles. This nucleotide position is well conserved in available vertebrate species. In silico splice site analysis predicts that this alteration will weaken the native splice acceptor site and will result in the creation or strengthening of a novel splice acceptor site. Based on the available evidence, this alteration is classified as likely pathogenic.

CENTOGENE GmbH and LLC - Guiding Precision Medicine
Classification: Likely pathogenic for Familial hypokalemia-hypomagnesemia. Last evaluated: 2020-07-23. Review status: criteria provided, single submitter. Criteria: ACMG Guidelines, 2015. Collection method: clinical testing. Allele origin: germline. Affected: yes.

Literature cited by the submitters: PubMed 16199547 (cited by Labcorp Genetics (formerly Invitae), Labcorp); PubMed 20848653 (cited by Labcorp Genetics (formerly Invitae), Labcorp); PubMed 22009145 (cited by Labcorp Genetics (formerly Invitae), Labcorp); PubMed 25841442 (cited by Labcorp Genetics (formerly Invitae), Labcorp).

NM_001126108.2(SLC12A3):c.2721-1G>A

Gene: SLC12A3 (solute carrier family 12 member 3; plus strand). Cytogenetic location: 16q13.
Variant type: single nucleotide variant.
Coding change: c.2721-1G>A on transcript NM_001126108.2 (MANE Select); the canonical splice acceptor site of the intron before coding-DNA position 2721, G replaced by A.
Molecular consequence: splice acceptor variant.
Genome position (GRCh38, 1-based): chr16:56,902,372, G>A. VCF-style: chr16-56902372-G-A. GRCh37 (hg19) VCF-style: chr16-56936284-G-A.
Other names: c.2748-1G>A (NM_000339.3); c.2745-1G>A (NM_001126107.2); c.2718-1G>A (NM_001410896.1).
Identifiers: ClinVar variation 651512 (VCV000651512.15), dbSNP rs761242621, ClinGen allele CA8070047.
Genomic context (GRCh38, chr16:56,902,372, plus strand): 5'-TGGCACCCCTAGAAATGGGGTTATCGTCTCAGCCGGCCTCAACCCACTTTCTCGTCCCCA[G>A]CACCAAGAGGTTTGAGGACATGATTGCACCCTTCCGTCTGAATGATGGCTTCAAGGATGA-3'